The following is an entry in ClinVar:

NM_001351132.2(PEX5):c.122C>A (p.Pro41His)

Gene: PEX5 (peroxisomal biogenesis factor 5; plus strand). Cytogenetic location: 12p13.31.
Variant type: single nucleotide variant.
Coding change: c.122C>A on transcript NM_001351132.2 (MANE Select); coding-DNA position 122, C replaced by A.
Protein change: p.Pro41His; replaces proline 41 with histidine.
Molecular consequence: missense variant.
Genome position (GRCh38, 1-based): chr12:7,190,499, C>A. VCF-style: chr12-7190499-C-A. GRCh37 (hg19) VCF-style: chr12-7343095-C-A.
Other names: c.122C>A, p.Pro41His (NM_000319.5, NM_001131023.2, NM_001131024.2 and 22 more transcripts); short protein forms P41H.
Identifiers: ClinVar variation 1014901 (VCV001014901.9), dbSNP rs772786048, ClinGen allele CA6426001.
Genomic context (GRCh38, chr12:7,190,499, plus strand): 5'-CCGGGCACTTCACCCAGGACAAGGCCCTTCGGCAGGAGGGATTGAGGCCTGGCCCCTGGC[C>A]CCCCGGAGCCCCGGCCTCTGAGGCAGTGAGTGTTCTTGAGGTGGAAAGCCCAGGTGCAGC-3'
Protein context (NP_001338061.1, residues 31-51): RQEGLRPGPW[Pro41His]PGAPASEAAS

ClinVar aggregate classification (germline): Uncertain significance (1 of 4 stars; one submission).

Conditions:
Peroxisome biogenesis disorder 2B (PBD2B). Identifiers: Orphanet 44, MedGen C3550234, MONDO:0008736, OMIM 202370.

gnomAD v4.1: 1 of 1,613,110 alleles (0.000062%); highest among the groups gnomAD compares: Admixed American, 0.0017%; no homozygotes.

Submission:

Labcorp Genetics (formerly Invitae), Labcorp
Classification: Uncertain significance for Peroxisome biogenesis disorder 2B. Last evaluated: 2024-10-21. Review status: criteria provided, single submitter. Criteria: Invitae Variant Classification Sherloc (09022015). Collection method: clinical testing. Allele origin: germline.
Comment: This sequence change replaces proline, which is neutral and non-polar, with histidine, which is basic and polar, at codon 41 of the PEX5 protein (p.Pro41His). This variant is not present in population databases (gnomAD no frequency). This variant has not been reported in the literature in individuals affected with PEX5-related conditions. ClinVar contains an entry for this variant (Variation ID: 1014901). An algorithm developed to predict the effect of missense changes on protein structure and function (PolyPhen-2) suggests that this variant is likely to be tolerated. In summary, the available evidence is currently insufficient to determine the role of this variant in disease. Therefore, it has been classified as a Variant of Uncertain Significance.